The following is an entry in ClinVar:

ClinVar aggregate classification (germline): Uncertain significance (1 of 4 stars; one submission).

gnomAD v4.1: 2 of 1,610,322 alleles (0.00012%); highest among the groups gnomAD compares: African/African-American, 0.0027%; no homozygotes.

Submission:

Labcorp Genetics (formerly Invitae), Labcorp
Classification: Uncertain significance. Last evaluated: 2025-11-03. Review status: criteria provided, single submitter. Criteria: Invitae Variant Classification Sherloc (09022015). Collection method: clinical testing. Allele origin: germline.
Comment: This sequence change falls in intron 22 of the ABCC6 gene. It does not directly change the encoded amino acid sequence of the ABCC6 protein. It affects a nucleotide within the consensus splice site. This variant is not present in population databases (gnomAD no frequency). This variant has not been reported in the literature in individuals affected with ABCC6-related conditions. ClinVar contains an entry for this variant (Variation ID: 2054399). Variants that disrupt the consensus splice site are a relatively common cause of aberrant splicing (PMID: 17576681, 9536098). Algorithms developed to predict the effect of sequence changes on RNA splicing suggest that this variant is not likely to affect RNA splicing. In summary, the available evidence is currently insufficient to determine the role of this variant in disease. Therefore, it has been classified as a Variant of Uncertain Significance.

Literature cited by the submitters: PubMed 17576681; PubMed 9536098.

NM_001171.6(ABCC6):c.2995+4C>G

Gene: ABCC6 (ATP binding cassette subfamily C member 6; minus strand). Cytogenetic location: 16p13.11.
Variant type: single nucleotide variant.
Coding change: c.2995+4C>G on transcript NM_001171.6 (MANE Select); 4 bases into the intron after coding-DNA position 2995, C replaced by G.
Molecular consequence: intron variant.
Genome position (GRCh38, 1-based): chr16:16,169,642, G>C on the plus strand (C>G on the coding strand, the complement: ABCC6 is on the minus strand). VCF-style: chr16-16169642-G-C. GRCh37 (hg19) VCF-style: chr16-16263499-G-C.
Other names: c.2653+4C>G (NM_001351800.1).
Identifiers: ClinVar variation 2054399 (VCV002054399.4), dbSNP rs376872423, ClinGen allele CA2580090785.